The following is an entry in ClinVar:

NM_001271.4(CHD2):c.3268G>T (p.Glu1090Ter)

Gene: CHD2 (chromodomain helicase DNA binding protein 2; plus strand). Cytogenetic location: 15q26.1.
Variant type: single nucleotide variant.
Coding change: c.3268G>T on transcript NM_001271.4 (MANE Select); coding-DNA position 3268, G replaced by T.
Protein change: p.Glu1090Ter; replaces glutamic acid 1090 with a stop codon.
Molecular consequence: nonsense.
Genome position (GRCh38, 1-based): chr15:92,985,528, G>T. VCF-style: chr15-92985528-G-T. GRCh37 (hg19) VCF-style: chr15-93528758-G-T.
Other names: short protein forms E1090*.
Identifiers: ClinVar variation 3390488 (VCV003390488.1).

ClinVar aggregate classification (germline): Pathogenic (1 of 4 stars; one submission).

Submission:

GeneDx
Classification: Pathogenic. Last evaluated: 2024-06-12. Review status: criteria provided, single submitter. Criteria: GeneDx Variant Classification Process June 2021. Collection method: clinical testing. Allele origin: germline. Affected: yes.
Comment: Nonsense variant predicted to result in protein truncation or nonsense mediated decay in a gene for which loss of function is a known mechanism of disease; Not observed at significant frequency in large population cohorts (gnomAD); Has not been previously published as pathogenic or benign to our knowledge